The following is an entry in ClinVar:

NM_004260.4(RECQL4):c.1073T>C (p.Met358Thr)

Gene: RECQL4 (RecQ like helicase 4; minus strand). Cytogenetic location: 8q24.3.
Variant type: single nucleotide variant.
Coding change: c.1073T>C on transcript NM_004260.4 (MANE Select); coding-DNA position 1073, T replaced by C.
Protein change: p.Met358Thr; replaces methionine 358 with threonine.
Molecular consequence: missense variant.
Genome position (GRCh38, 1-based): chr8:144,516,046, A>G on the plus strand (T>C on the coding strand, the complement: RECQL4 is on the minus strand). VCF-style: chr8-144516046-A-G. GRCh37 (hg19) VCF-style: chr8-145741430-A-G.
Other names: short protein forms M358T.
Identifiers: ClinVar variation 568336 (VCV000568336.10), dbSNP rs376652305, ClinGen allele CA4949082.

ClinVar aggregate classification (germline): Uncertain significance. Review status: criteria provided, multiple submitters, no conflicts (2 of 4 stars). 2 submissions from 2 submitters: Uncertain significance (2). Last evaluated 2025-10-09.

Conditions:
Baller-Gerold syndrome (BGS). Also called: CRANIOSYNOSTOSIS WITH RADIAL DEFECTS. Identifiers: Orphanet 1225, MedGen C0265308, MONDO:0009039, OMIM 218600.
Inborn genetic diseases. Identifiers: MedGen C0950123, MeSH D030342.

Allele frequency attached by ClinVar (database versions not stated): gnomAD 0.00002; TOPMed 0.00002; ESP Exome Variant Server 0.00008.
gnomAD v4.1: 14 of 1,612,360 alleles (0.00087%); highest among the groups gnomAD compares: East Asian, 0.0022%; no homozygotes.

Submissions (2):

Labcorp Genetics (formerly Invitae), Labcorp
Classification: Uncertain significance for Baller-Gerold syndrome. Last evaluated: 2025-10-09. Review status: criteria provided, single submitter. Criteria: Invitae Variant Classification Sherloc (09022015). Collection method: clinical testing. Allele origin: germline.
Comment: This sequence change replaces methionine, which is neutral and non-polar, with threonine, which is neutral and polar, at codon 358 of the RECQL4 protein (p.Met358Thr). This variant is present in population databases (rs376652305, gnomAD 0.003%). This variant has not been reported in the literature in individuals affected with RECQL4-related conditions. ClinVar contains an entry for this variant (Variation ID: 568336). Invitae Evidence Modeling of protein sequence and biophysical properties (such as structural, functional, and spatial information, amino acid conservation, physicochemical variation, residue mobility, and thermodynamic stability) indicates that this missense variant is expected to disrupt RECQL4 protein function with a positive predictive value of 80%. In summary, the available evidence is currently insufficient to determine the role of this variant in disease. Therefore, it has been classified as a Variant of Uncertain Significance.

Ambry Genetics
Classification: Uncertain significance for Inborn genetic diseases. Last evaluated: 2025-01-06. Review status: criteria provided, single submitter. Criteria: Ambry Variant Classification Scheme 2023. Collection method: clinical testing. Allele origin: germline.
Comment: The p.M358T variant (also known as c.1073T>C), located in coding exon 5 of the RECQL4 gene, results from a T to C substitution at nucleotide position 1073. The methionine at codon 358 is replaced by threonine, an amino acid with similar properties. This amino acid position is conserved. In addition, the in silico prediction for this alteration is inconclusive. Based on the available evidence, the clinical significance of this variant remains unclear.